The following is an entry in ClinVar:

NM_001363711.2(DUOX2):c.1904_1907del (p.Lys635fs)

Gene: DUOX2 (dual oxidase 2; minus strand). Cytogenetic location: 15q21.1.
Variant type: Deletion.
Coding change: c.1904_1907del on transcript NM_001363711.2 (MANE Select); coding-DNA positions 1904 to 1907, 4 bases deleted (AAGA; older notation c.1904_1907delAAGA).
Protein change: p.Lys635fs; shifts the reading frame from lysine 635.
Molecular consequence: frameshift variant.
Genome position (GRCh38, 1-based): chr15:45,106,566-45,106,569, TCTT deleted on the plus strand (AAGA on the coding strand, the reverse complement: DUOX2 is on the minus strand); deleting any 4 consecutive bases within chr15:45,106,566-45,106,570 gives the same sequence; the c. name uses the placement nearest the transcript's 3' end. VCF-style (leftmost placement, unchanged base first): chr15-45106565-CTCTT-C. GRCh37 (hg19) VCF-style: chr15-45398763-CTCTT-C.
Other names: c.1904_1907del, p.Lys635fs (NM_014080.5); short protein forms K635fs.
Identifiers: ClinVar variation 2721613 (VCV002721613.3), dbSNP rs1894219449, ClinGen allele CA2173944086.

ClinVar aggregate classification (germline): Pathogenic (1 of 4 stars; one submission).

Submission:

Labcorp Genetics (formerly Invitae), Labcorp
Classification: Pathogenic. Last evaluated: 2023-12-14. Review status: criteria provided, single submitter. Criteria: Invitae Variant Classification Sherloc (09022015). Collection method: clinical testing. Allele origin: germline.
Comment: This sequence change creates a premature translational stop signal (p.Lys635Argfs*3) in the DUOX2 gene. It is expected to result in an absent or disrupted protein product. Loss-of-function variants in DUOX2 are known to be pathogenic (PMID: 12110737, 18765513, 21565790, 24423310, 24735383). This variant is not present in population databases (gnomAD no frequency). This variant has not been reported in the literature in individuals affected with DUOX2-related conditions. For these reasons, this variant has been classified as Pathogenic.

Literature cited by the submitters: PubMed 12110737; PubMed 18765513; PubMed 21565790; PubMed 24423310; PubMed 24735383.